The following is an entry in ClinVar:

NM_032043.3(BRIP1):c.2234C>T (p.Ala745Val)

Gene: BRIP1 (BRCA1 interacting DNA helicase 1; minus strand). Cytogenetic location: 17q23.2.
Variant type: single nucleotide variant.
Coding change: c.2234C>T on transcript NM_032043.3 (MANE Select); coding-DNA position 2234, C replaced by T.
Protein change: p.Ala745Val; replaces alanine 745 with valine.
Molecular consequence: missense variant.
Genome position (GRCh38, 1-based): chr17:61,744,455, G>A on the plus strand (C>T on the coding strand, the complement: BRIP1 is on the minus strand). VCF-style: chr17-61744455-G-A. GRCh37 (hg19) VCF-style: chr17-59821816-G-A.
Other names: short protein forms A745V.
Identifiers: ClinVar variation 1465520 (VCV001465520.11), dbSNP rs2144695654, ClinGen allele CA400482885.

ClinVar aggregate classification (germline): Uncertain significance. Review status: criteria provided, multiple submitters, no conflicts (2 of 4 stars). 2 submissions from 2 submitters: Uncertain significance (2). Last evaluated 2022-12-26.

Conditions:
Familial cancer of breast. Also called: Hereditary breast cancer; BREAST CANCER, FAMILIAL; hereditary breast carcinoma. Identifiers: Orphanet 227535, MedGen C0346153, MONDO:0016419, OMIM 114480. Disease mechanism: loss of function.
Fanconi anemia complementation group J. Also called: BRIP1-Related Fanconi Anemia. Identifiers: Orphanet 84, MedGen C1836860, MONDO:0012187, OMIM 609054.
Hereditary cancer-predisposing syndrome. Also called: Neoplastic Syndromes, Hereditary; Hereditary Cancer Syndrome; Tumor predisposition; Hereditary neoplastic syndrome. Identifiers: Orphanet 140162, MedGen C0027672, MeSH D009386, MONDO:0015356.

Submissions (2):

Labcorp Genetics (formerly Invitae), Labcorp
Classification: Uncertain significance for Familial cancer of breast; Fanconi anemia complementation group J. Last evaluated: 2022-12-26. Review status: criteria provided, single submitter. Criteria: Invitae Variant Classification Sherloc (09022015). Collection method: clinical testing. Allele origin: germline.
Comment: This sequence change replaces alanine, which is neutral and non-polar, with valine, which is neutral and non-polar, at codon 745 of the BRIP1 protein (p.Ala745Val). This variant is not present in population databases (gnomAD no frequency). This variant has not been reported in the literature in individuals affected with BRIP1-related conditions. ClinVar contains an entry for this variant (Variation ID: 1465520). Advanced modeling of protein sequence and biophysical properties (such as structural, functional, and spatial information, amino acid conservation, physicochemical variation, residue mobility, and thermodynamic stability) performed at Invitae indicates that this missense variant is not expected to disrupt BRIP1 protein function. In summary, the available evidence is currently insufficient to determine the role of this variant in disease. Therefore, it has been classified as a Variant of Uncertain Significance.

Ambry Genetics
Classification: Uncertain significance for Hereditary cancer-predisposing syndrome. Last evaluated: 2020-02-14. Review status: criteria provided, single submitter. Criteria: Ambry Variant Classification Scheme 2023. Collection method: clinical testing. Allele origin: germline.
Comment: The p.A745V variant (also known as c.2234C>T), located in coding exon 14 of the BRIP1 gene, results from a C to T substitution at nucleotide position 2234. The alanine at codon 745 is replaced by valine, an amino acid with similar properties. This amino acid position is highly conserved in available vertebrate species. In addition, the in silico prediction for this alteration is inconclusive. Since supporting evidence is limited at this time, the clinical significance of this alteration remains unclear.